The following is an entry in ClinVar:

ClinVar aggregate classification (germline): Uncertain significance (1 of 4 stars; one submission).

Allele frequency attached by ClinVar (database versions not stated): gnomAD exomes below 0.00001.
gnomAD v4.1: 2 of 1,613,826 alleles (0.00012%); highest among the groups gnomAD compares: African/African-American, 0.0013%; no homozygotes.

Submission:

GeneDx
Classification: Uncertain significance. Last evaluated: 2022-05-26. Review status: criteria provided, single submitter. Criteria: GeneDx Variant Classification Process June 2021. Collection method: clinical testing. Allele origin: germline. Affected: yes.
Comment: Not observed at significant frequency in large population cohorts (gnomAD); In silico analysis supports that this missense variant has a deleterious effect on protein structure/function; Has not been previously published as pathogenic or benign to our knowledge

NM_002109.6(HARS1):c.283C>T (p.Pro95Ser)

Gene: HARS1 (histidyl-tRNA synthetase 1; minus strand). Cytogenetic location: 5q31.3.
Variant type: single nucleotide variant.
Coding change: c.283C>T on transcript NM_002109.6 (MANE Select); coding-DNA position 283, C replaced by T.
Protein change: p.Pro95Ser; replaces proline 95 with serine.
Molecular consequence: missense variant. On other transcripts: intron variant (3).
Genome position (GRCh38, 1-based): chr5:140,683,117, G>A on the plus strand (C>T on the coding strand, the complement: HARS1 is on the minus strand). VCF-style: chr5-140683117-G-A. GRCh37 (hg19) VCF-style: chr5-140062702-G-A.
Other names: c.283C>T, p.Pro95Ser (NM_001258041.3, NM_001289092.2); c.196C>T, p.Pro66Ser (NM_001289094.2); c.181-5102C>T (NM_001289093.2); c.181-3234C>T (NM_001258042.3, NM_001258040.3); short protein forms P66S, P95S.
Identifiers: ClinVar variation 1800919 (VCV001800919.1), dbSNP rs2481290695, ClinGen allele CA361258929.
Genomic context (GRCh38, chr5:140,683,117, plus strand): 5'-GCCCACTCATCTACCATGTAGTTTCTTCTTGCCCATTCCTCACCTTTAGTTCAAATACAG[G>A]TGTATCAATGACTTCTGCACCGTGGCGCTTGAAGCAACGGATGATTACGTCAAACACCTT-3'
Protein context (NP_002100.2, residues 85-105): KRHGAEVIDT[Pro95Ser]VFELKETLMG